The following is an entry in ClinVar:

NM_024334.3(TMEM43):c.1149_1150delinsTA (p.Leu384Ile)

Gene: TMEM43 (transmembrane protein 43; plus strand). Cytogenetic location: 3p25.1.
Variant type: Indel.
Coding change: c.1149_1150delinsTA on transcript NM_024334.3 (MANE Select); coding-DNA positions 1149 to 1150, CC replaced by TA.
Protein change: p.Leu384Ile; replaces leucine 384 with isoleucine.
Molecular consequence: missense variant.
Genome position (GRCh38, 1-based): chr3:14,141,741-14,141,742, CC replaced by TA. VCF-style: chr3-14141741-CC-TA. GRCh37 (hg19) VCF-style: chr3-14183241-CC-TA.
Other names: c.1149_1150delCCinsTA (NM_024334.2); short protein forms L384I.
Identifiers: ClinVar variation 922552 (VCV000922552.6), dbSNP rs1695250554, ClinGen allele CA1139657905.

ClinVar aggregate classification (germline): Uncertain significance. Review status: criteria provided, multiple submitters, no conflicts (2 of 4 stars). 2 submissions from 2 submitters: Uncertain significance (2). Last evaluated 2023-12-05.

Conditions:
Cardiovascular phenotype. Identifiers: MedGen CN230736.
Cardiomyopathy (CMYO). Also called: Cardiomyopathies. Identifiers: Orphanet 167848, MedGen C0878544, MONDO:0004994, HP:0001638. Inheritance: Various modes of inheritance.

Submissions (2):

Color Diagnostics, LLC DBA Color Health
Classification: Uncertain significance for Cardiomyopathy. Last evaluated: 2023-12-05. Review status: criteria provided, single submitter. Criteria: ACMG Guidelines, 2015. Collection method: clinical testing. Allele origin: germline.
Comment: This missense variant replaces leucine with isoleucine at codon 384 of the TMEM43 protein. To our knowledge, functional studies have not been reported for this variant. This variant has not been reported in individuals affected with TMEM43-related disorders in the literature. This variant has not been identified in the general population by the Genome Aggregation Database (gnomAD). The available evidence is insufficient to determine the role of this variant in disease conclusively. Therefore, this variant is classified as a Variant of Uncertain Significance.

Ambry Genetics
Classification: Uncertain significance for Cardiovascular phenotype. Last evaluated: 2023-10-17. Review status: criteria provided, single submitter. Criteria: Ambry Variant Classification Scheme 2023. Collection method: clinical testing. Allele origin: germline.
Comment: The c.1149_1150delCCinsTA variant (also known as p.L384I), located in coding exon 12 of the TMEM43 gene, results from an in-frame deletion of CC and insertion of TA at nucleotide positions 1149 to 1150. This results in the substitution of the leucine residue for an isoleucine residue at codon 384, an amino acid with highly similar properties. This amino acid position is not well conserved in available vertebrate species. In addition, this alteration is predicted to be neutral by in silico analysis (Choi Y et al. PLoS ONE. 2012; 7(10):e46688). Since supporting evidence is limited at this time, the clinical significance of this alteration remains unclear.